The following is an entry in ClinVar:

NM_017849.4(TMEM127):c.325_326del (p.Ser109fs)

Gene: TMEM127 (transmembrane protein 127; minus strand). Cytogenetic location: 2q11.2.
Variant type: Microsatellite.
Coding change: c.325_326del on transcript NM_017849.4 (MANE Select); coding-DNA positions 325 to 326, 2 bases deleted (TC; older notation c.325_326delTC).
Protein change: p.Ser109fs; shifts the reading frame from serine 109.
Molecular consequence: frameshift variant.
Genome position (GRCh38, 1-based): chr2:96,254,916-96,254,917, GA deleted on the plus strand (TC on the coding strand, the reverse complement: TMEM127 is on the minus strand); deleting any 2 consecutive bases within chr2:96,254,916-96,254,921 gives the same sequence; the c. name uses the placement nearest the transcript's 3' end. VCF-style (leftmost placement, unchanged base first): chr2-96254915-GGA-G. GRCh37 (hg19) VCF-style: chr2-96920653-GGA-G.
Other names: c.325_326del, p.Ser109fs (NM_001193304.3); c.73_74del, p.Ser25fs (NM_001407282.1, NM_001407283.1); short protein forms S109fs, S25fs.
Identifiers: ClinVar variation 2839916 (VCV002839916.3), dbSNP rs1056808978, ClinGen allele CA2739271176.
Genomic context (GRCh38, chr2:96,254,915, plus strand): 5'-ATAGCGACGAGTGATCTTCAGAGCAGGATGCTTCGGCCCAAAGACATCCAGAAGGAAAGC[GGA>G]GAGACTACACAGGATGCCCAGGAAACAGAAGGCGGCGATGACCCGCAGGAGCAGCACTGT-3'

ClinVar aggregate classification (germline): Pathogenic (1 of 4 stars; one submission).

Conditions:
Hereditary pheochromocytoma and paraganglioma. Also called: Hereditary paragangliomas and pheochromocytomas; Hereditary Paraganglioma-Pheochromocytoma Syndromes; Hereditary pheochromocytoma-paraganglioma. Identifiers: Orphanet 29072, MedGen C4274332, MONDO:0017366.

Submission:

Labcorp Genetics (formerly Invitae), Labcorp
Classification: Pathogenic for Hereditary pheochromocytoma and paraganglioma. Last evaluated: 2023-03-26. Review status: criteria provided, single submitter. Criteria: Invitae Variant Classification Sherloc (09022015). Collection method: clinical testing. Allele origin: germline.
Comment: This variant disrupts a region of the TMEM127 protein in which other variant(s) (p.Phe111Serfs*13) have been determined to be pathogenic (Invitae). This suggests that this is a clinically significant region of the protein, and that variants that disrupt it are likely to be disease-causing. This variant has not been reported in the literature in individuals affected with TMEM127-related conditions. This variant is not present in population databases (gnomAD no frequency). This sequence change creates a premature translational stop signal (p.Ser109Argfs*43) in the TMEM127 gene. While this is not anticipated to result in nonsense mediated decay, it is expected to disrupt the last 130 amino acid(s) of the TMEM127 protein. For these reasons, this variant has been classified as Pathogenic.